The following is an entry in ClinVar:

NM_002506.3(NGF):c.562G>C (p.Gly188Arg)

Genes: NGF (nerve growth factor; minus strand), NGF-AS1 (NGF antisense RNA 1; plus strand). Cytogenetic location: 1p13.2.
Variant type: single nucleotide variant.
Coding change: c.562G>C on transcript NM_002506.3 (MANE Select); coding-DNA position 562, G replaced by C.
Protein change: p.Gly188Arg; replaces glycine 188 with arginine.
Molecular consequence: missense variant.
Genome position (GRCh38, 1-based): chr1:115,286,234, C>G on the plus strand (G>C on the coding strand, the complement: NGF is on the minus strand). VCF-style: chr1-115286234-C-G. GRCh37 (hg19) VCF-style: chr1-115828855-C-G.
Other names: short protein forms G188R.
Identifiers: ClinVar variation 834309 (VCV000834309.7), dbSNP rs760753923, ClinGen allele CA1022950.

ClinVar aggregate classification (germline): Uncertain significance (1 of 4 stars; one submission).

Conditions:
Congenital sensory neuropathy with selective loss of small myelinated fibers (HSAN5). Also called: HSAN Type V. Identifiers: Orphanet 64752, MedGen C0020075, MONDO:0012092, OMIM 608654.

Allele frequency attached by ClinVar (database versions not stated): TOPMed 0.00002.
gnomAD v4.1: 7 of 1,614,020 alleles (0.00043%); highest among the groups gnomAD compares: Non-Finnish European, 0.00059%; no homozygotes.

Submission:

Labcorp Genetics (formerly Invitae), Labcorp
Classification: Uncertain significance for Congenital sensory neuropathy with selective loss of small myelinated fibers. Last evaluated: 2021-12-24. Review status: criteria provided, single submitter. Criteria: Invitae Variant Classification Sherloc (09022015). Collection method: clinical testing. Allele origin: germline.
Comment: This sequence change replaces glycine, which is neutral and non-polar, with arginine, which is basic and polar, at codon 188 of the NGF protein (p.Gly188Arg). This variant is present in population databases (rs760753923, gnomAD 0.002%). This variant has not been reported in the literature in individuals affected with NGF-related conditions. ClinVar contains an entry for this variant (Variation ID: 834309). Algorithms developed to predict the effect of missense changes on protein structure and function (SIFT, PolyPhen-2, Align-GVGD) all suggest that this variant is likely to be disruptive. In summary, the available evidence is currently insufficient to determine the role of this variant in disease. Therefore, it has been classified as a Variant of Uncertain Significance.